The following is an entry in ClinVar:

ClinVar aggregate classification (germline): Uncertain significance. Review status: criteria provided, multiple submitters, no conflicts (2 of 4 stars). 3 submissions from 2 submitters: Uncertain significance (3). Last evaluated 2021-08-25.

Conditions:
Retinitis pigmentosa 39 (RP39). Identifiers: Orphanet 791, MedGen C3151138, MONDO:0013436, OMIM 613809.
Usher syndrome type 2A. Also called: RETINAL DISEASE IN USHER SYNDROME TYPE IIA, MODIFIER OF; USHER SYNDROME, TYPE IIA. Identifiers: Orphanet 231178, Orphanet 886, MedGen C1848634, MONDO:0010169, OMIM 276901.

Allele frequency attached by ClinVar (database versions not stated): gnomAD exomes below 0.00001 and 0.00001; ExAC 0.00002; TOPMed 0.00003; gnomAD 0.00005 and 0.00006; ESP Exome Variant Server 0.00015.
gnomAD v4.1: 10 of 1,612,656 alleles (0.00062%); highest among the groups gnomAD compares: African/African-American, 0.012%; no homozygotes.

Submissions (3):

Labcorp Genetics (formerly Invitae), Labcorp
Classification: Uncertain significance. Last evaluated: 2021-08-25. Review status: criteria provided, single submitter. Criteria: Invitae Variant Classification Sherloc (09022015). Collection method: clinical testing. Allele origin: germline.
Comment: This sequence change replaces threonine with lysine at codon 2188 of the USH2A protein (p.Thr2188Lys). The threonine residue is highly conserved and there is a moderate physicochemical difference between threonine and lysine. This variant is present in population databases (rs374409616, ExAC 0.02%). This variant has not been reported in the literature in individuals affected with USH2A-related conditions. Algorithms developed to predict the effect of missense changes on protein structure and function are either unavailable or do not agree on the potential impact of this missense change (SIFT: "Deleterious"; PolyPhen-2: "Benign"; Align-GVGD: "Class C65"). In summary, the available evidence is currently insufficient to determine the role of this variant in disease. Therefore, it has been classified as a Variant of Uncertain Significance.

Genome-Nilou Lab
Classification: Uncertain significance for Retinitis pigmentosa 39. Last evaluated: 2021-07-22. Review status: criteria provided, single submitter. Criteria: ACMG Guidelines, 2015. Collection method: clinical testing. Allele origin: germline. Affected: no.

Genome-Nilou Lab
Classification: Uncertain significance for Usher syndrome type 2A. Last evaluated: 2021-07-22. Review status: criteria provided, single submitter. Criteria: ACMG Guidelines, 2015. Collection method: clinical testing. Allele origin: germline. Affected: no.

NM_206933.4(USH2A):c.6563C>A (p.Thr2188Lys)

Gene: USH2A (usherin; minus strand). Cytogenetic location: 1q41.
Variant type: single nucleotide variant.
Coding change: c.6563C>A on transcript NM_206933.4 (MANE Select); coding-DNA position 6563, C replaced by A.
Protein change: p.Thr2188Lys; replaces threonine 2188 with lysine.
Molecular consequence: missense variant.
Genome position (GRCh38, 1-based): chr1:215,998,981, G>T on the plus strand (C>A on the coding strand, the complement: USH2A is on the minus strand). VCF-style: chr1-215998981-G-T. GRCh37 (hg19) VCF-style: chr1-216172323-G-T.
Other names: short protein forms T2188K.
Identifiers: ClinVar variation 966342 (VCV000966342.6), dbSNP rs374409616, ClinGen allele CA1395105.
Genomic context (GRCh38, chr1:215,998,981, plus strand): 5'-ACGTATTGTAGCATATGATCCTGGAAAAGTTCTGTACTGTTATAGATGACACTCCAAATT[G>T]TAAAATCATGTGTATGGTTTGACATATATAATACATAGCGTTCCAGAATCCCACTTATTT-3'
Protein context (NP_996816.3, residues 2178-2198): LYMSNHTHDF[Thr2188Lys]IWSVIYNSTE